The following is an entry in ClinVar:

ClinVar aggregate classification (germline): Likely pathogenic (1 of 4 stars; one submission).

Conditions:
Polycystic kidney disease, adult type (PKD1). Also called: Polycystic Kidney Disease 1, Autosomal Dominant; Polycystic kidney disease 1; Polycystic kidney disease 1, severe; Polycystic Kidney, Autosomal Dominant; POLYCYSTIC KIDNEY DISEASE, ADULT, TYPE I; POLYCYSTIC KIDNEY DISEASE 1 WITH OR WITHOUT POLYCYSTIC LIVER DISEASE. Identifiers: MedGen C3149841, MONDO:0008263, OMIM 173900.

Submission:

Juno Genomics, Hangzhou Juno Genomics, Inc
Classification: Likely pathogenic for Polycystic kidney disease, adult type. Review status: criteria provided, single submitter. Criteria: ACMG Guidelines, 2015. Collection method: clinical testing. Allele origin: germline. Affected: yes.
Comment: Absent from controls (or at extremely low frequency if recessive) in Genome Aggregation Database.;Null variant in a gene where loss of function (LOF) is a known mechanism of disease.

NM_001009944.3(PKD1):c.3665_3684delinsACATGA (p.Ala1222fs)

Gene: PKD1 (polycystin 1, transient receptor potential channel interacting; minus strand). Cytogenetic location: 16p13.3.
Variant type: Indel.
Coding change: c.3665_3684delinsACATGA on transcript NM_001009944.3 (MANE Select); coding-DNA positions 3665 to 3684, CCGTGGAGCAGGGCGCCCCC replaced by ACATGA.
Protein change: p.Ala1222fs; shifts the reading frame from alanine 1222.
Molecular consequence: frameshift variant.
Genome position (GRCh38, 1-based): chr16:2,111,483-2,111,502, GGGGGCGCCCTGCTCCACGG replaced by TCATGT on the plus strand (CCGTGGAGCAGGGCGCCCCC replaced by ACATGA on the coding strand, the reverse complement: PKD1 is on the minus strand). VCF-style: chr16-2111483-GGGGGCGCCCTGCTCCACGG-TCATGT. GRCh37 (hg19) VCF-style: chr16-2161484-GGGGGCGCCCTGCTCCACGG-TCATGT.
Other names: c.3665_3684delinsACATGA, p.Ala1222fs (NM_000296.4); short protein forms A1222fs.
Identifiers: ClinVar variation 3381901 (VCV003381901.2).
Genomic context (GRCh38, chr16:2,111,483, plus strand): 5'-CCCCATGTCGAAGGTCCACGTGATGTTGTCGCCCGTCTGCACCGCGGCGCTGACCACCAC[GGGGGCGCCCTGCTCCACGG>TCATGT]CCAGGCTCATGTCCACGCTGAGTCCGCGGAGCTCCTCAAAGACGCGCACATCCGCCTGGG-3'